The following is an entry in ClinVar:

NM_001365999.1(SZT2):c.8811dup (p.Ser2938fs)

Gene: SZT2 (SZT2 subunit of KICSTOR complex; plus strand). Cytogenetic location: 1p34.2.
Variant type: Duplication.
Coding change: c.8811dup on transcript NM_001365999.1 (MANE Select); coding-DNA position 8811, one base duplicated (C; older notation c.8811dupC).
Protein change: p.Ser2938fs; shifts the reading frame from serine 2938.
Molecular consequence: frameshift variant.
Genome position (GRCh38, 1-based): chr1:43,443,782, C duplicated; the last of 6 consecutive C bases (chr1:43,443,777-43,443,782); duplicating any one gives the same sequence. VCF-style (leftmost placement, unchanged base first): chr1-43443776-G-GC. GRCh37 (hg19) VCF-style: chr1-43909447-G-GC.
Other names: c.8640dup, p.Ser2881fs (NM_015284.4); c.8640dup (NM_015284.3); short protein forms S2881fs, S2938fs.
Identifiers: ClinVar variation 1423687 (VCV001423687.7), dbSNP rs745420974, ClinGen allele CA810673.

ClinVar aggregate classification (germline): Pathogenic. Review status: criteria provided, multiple submitters, no conflicts (2 of 4 stars). 2 submissions from 2 submitters: Pathogenic (2). Last evaluated 2026-01-05.

Submissions (2):

Labcorp Genetics (formerly Invitae), Labcorp
Classification: Pathogenic. Last evaluated: 2026-01-05. Review status: criteria provided, single submitter. Criteria: Invitae Variant Classification Sherloc (09022015). Collection method: clinical testing. Allele origin: germline.
Comment: This sequence change creates a premature translational stop signal (p.Ser2881Leufs*27) in the SZT2 gene. It is expected to result in an absent or disrupted protein product. Loss-of-function variants in SZT2 are known to be pathogenic (PMID: 23932106, 27248490, 28556953). This variant is present in population databases (rs745420974, gnomAD 0.003%). This variant has not been reported in the literature in individuals affected with SZT2-related conditions. ClinVar contains an entry for this variant (Variation ID: 1423687). For these reasons, this variant has been classified as Pathogenic.

GeneDx
Classification: Pathogenic. Last evaluated: 2025-04-07. Review status: criteria provided, single submitter. Criteria: GeneDx Variant Classification Process June 2021. Collection method: clinical testing. Allele origin: germline. Affected: yes.
Comment: Frameshift variant predicted to result in protein truncation or nonsense mediated decay in a gene for which loss of function is a known mechanism of disease; Not observed at significant frequency in large population cohorts (gnomAD); This variant is associated with the following publications: (PMID: 35352205)

Literature cited by the submitters: PubMed 23932106 (cited by Labcorp Genetics (formerly Invitae), Labcorp); PubMed 27248490 (cited by Labcorp Genetics (formerly Invitae), Labcorp); PubMed 28556953 (cited by Labcorp Genetics (formerly Invitae), Labcorp).